The following is an entry in ClinVar:

ClinVar aggregate classification (germline): Uncertain significance. Review status: criteria provided, multiple submitters, no conflicts (2 of 4 stars). 2 submissions from 2 submitters: Uncertain significance (2). Last evaluated 2025-12-04.

Conditions:
Inborn genetic diseases. Identifiers: MedGen C0950123, MeSH D030342.
PHGDH deficiency. Identifiers: Orphanet 79351, MedGen C1866174, MONDO:0011152, OMIM 601815.

Allele frequency attached by ClinVar (database versions not stated): TOPMed 0.00001; gnomAD exomes 0.00003; gnomAD 0.00004.
gnomAD v4.1: 58 of 1,614,084 alleles (0.0036%); highest among the groups gnomAD compares: Middle Eastern, 0.017%; no homozygotes.

Submissions (2):

Ambry Genetics
Classification: Uncertain significance for Inborn genetic diseases. Last evaluated: 2025-12-04. Review status: criteria provided, single submitter. Criteria: Ambry Variant Classification Scheme 2023. Collection method: clinical testing. Allele origin: germline.

Labcorp Genetics (formerly Invitae), Labcorp
Classification: Uncertain significance for PHGDH deficiency. Last evaluated: 2022-07-19. Review status: criteria provided, single submitter. Criteria: Invitae Variant Classification Sherloc (09022015). Collection method: clinical testing. Allele origin: germline.
Comment: This sequence change replaces alanine, which is neutral and non-polar, with valine, which is neutral and non-polar, at codon 324 of the PHGDH protein (p.Ala324Val). This variant is present in population databases (rs763115227, gnomAD no frequency). This variant has not been reported in the literature in individuals affected with PHGDH-related conditions. Algorithms developed to predict the effect of missense changes on protein structure and function (SIFT, PolyPhen-2, Align-GVGD) all suggest that this variant is likely to be tolerated. In summary, the available evidence is currently insufficient to determine the role of this variant in disease. Therefore, it has been classified as a Variant of Uncertain Significance.

NM_006623.4(PHGDH):c.971C>T (p.Ala324Val)

Gene: PHGDH (phosphoglycerate dehydrogenase; plus strand). Cytogenetic location: 1p12.
Variant type: single nucleotide variant.
Coding change: c.971C>T on transcript NM_006623.4 (MANE Select); coding-DNA position 971, C replaced by T.
Protein change: p.Ala324Val; replaces alanine 324 with valine.
Molecular consequence: missense variant.
Genome position (GRCh38, 1-based): chr1:119,740,411, C>T. VCF-style: chr1-119740411-C-T. GRCh37 (hg19) VCF-style: chr1-120283034-C-T.
Other names: c.971C>T (NM_006623.3); short protein forms A324V.
Identifiers: ClinVar variation 2139877 (VCV002139877.2), dbSNP rs763115227, ClinGen allele CA30262478.
Genomic context (GRCh38, chr1:119,740,411, plus strand): 5'-TCCTGACCACAGCCCCGCTCCTCCATCCTCTGCAGGTGAATGCCCAGGCCCTTACCAGTG[C>T]CTTCTCTCCACACACCAAGCCTTGGATTGGTCTGGCAGAAGCTCTGGGGACACTGATGCG-3'
Protein context (NP_006614.2, residues 314-334): GVVNAQALTS[Ala324Val]FSPHTKPWIG